The following is an entry in ClinVar:

NM_000381.4(MID1):c.1435_1437dup (p.Leu479_Lys480insLeu)

Gene: MID1 (midline 1; minus strand). Cytogenetic location: Xp22.2.
Variant type: Duplication.
Coding change: c.1435_1437dup on transcript NM_000381.4 (MANE Select); coding-DNA positions 1435 to 1437, 3 bases duplicated (TTG; older notation c.1435_1437dupTTG).
Protein change: p.Leu479_Lys480insLeu.
Molecular consequence: inframe insertion.
Genome position (GRCh38, 1-based): chrX:10,459,656-10,459,658, CAA duplicated on the plus strand (TTG on the coding strand, the reverse complement: MID1 is on the minus strand); duplicating any 3 consecutive bases within chrX:10,459,656-10,459,659 gives the same sequence; the c. name uses the placement nearest the transcript's 3' end. VCF-style (leftmost placement, unchanged base first): chrX-10459655-T-TCAA. GRCh37 (hg19) VCF-style: chrX-10427695-T-TCAA.
Other names: c.1435_1437dup, p.Leu479_Lys480insLeu (NM_001098624.2, NM_001193277.1, NM_001347733.2 and 1 more transcripts); c.1321_1323dup, p.Leu441_Lys442insLeu (NM_033289.2).
Identifiers: ClinVar variation 5004815 (VCV005004815.1).

ClinVar aggregate classification (germline): Uncertain significance (1 of 4 stars; one submission).

Conditions:
X-linked Opitz G/BBB syndrome (GBBB). Also called: Opitz-Frias syndrome; MID1-Related Opitz G/BBB Syndrome; OPITZ BBBG SYNDROME, TYPE I; OPITZ SYNDROME, X-LINKED; OPITZ-G SYNDROME, TYPE I. Identifiers: Orphanet 2745, MedGen C2936904, MONDO:0010222, OMIM 300000.

Submission:

Myriad Genetics, Inc.
Classification: Uncertain significance for X-linked Opitz G/BBB syndrome. Last evaluated: 2026-07-28. Review status: criteria provided, single submitter. Criteria: Myriad Autosomal Dominant, Autosomal Recessive and X-Linked Classification Criteria (2023). Collection method: clinical testing. Allele origin: unknown.
Comment: NM_000381.3(MID1):c.1435_1437dupTTG(L479dup) is an in-frame insertion classified as a variant of uncertain significance in the context of Opitz G/BBB syndrome, MID1-related. L479dup has not been observed in cases with relevant disease. Relevant functional assessments of this variant are not available in the literature. L479dup has not been observed in referenced population frequency databases. In summary, there is insufficient evidence to classify NM_000381.3(MID1):c.1435_1437dupTTG(L479dup) as pathogenic or benign. Please note: this variant was assessed in the context of healthy population screening.